The following is an entry in ClinVar:

NM_020822.3(KCNT1):c.1498G>A (p.Val500Ile)

Gene: KCNT1 (potassium sodium-activated channel subfamily T member 1; plus strand). Cytogenetic location: 9q34.3.
Variant type: single nucleotide variant.
Coding change: c.1498G>A on transcript NM_020822.3 (MANE Select); coding-DNA position 1498, G replaced by A.
Protein change: p.Val500Ile; replaces valine 500 with isoleucine.
Molecular consequence: missense variant.
Genome position (GRCh38, 1-based): chr9:135,768,925, G>A. VCF-style: chr9-135768925-G-A. GRCh37 (hg19) VCF-style: chr9-138660771-G-A.
Other names: c.1363G>A, p.Val455Ile (NM_001272003.2); short protein forms V455I, V500I.
Identifiers: ClinVar variation 653977 (VCV000653977.33), dbSNP rs778483249, ClinGen allele CA5326920.

ClinVar aggregate classification (germline): Uncertain significance. Review status: criteria provided, multiple submitters, no conflicts (2 of 4 stars). 2 submissions from 2 submitters: Uncertain significance (2). Last evaluated 2024-09-03.

Conditions:
Developmental and epileptic encephalopathy, 14 (DEE14). Also called: Early infantile epileptic encephalopathy 14. Identifiers: Orphanet 293181, MedGen C3554195, MONDO:0013989, OMIM 614959.
Autosomal dominant nocturnal frontal lobe epilepsy 5. Also called: CILIARY DYSKINESIA, PRIMARY, 28, WITHOUT SITUS INVERSUS; CILIARY DYSKINESIA, PRIMARY, 28, WITH SITUS INVERSUS; Epilepsy, nocturnal frontal lobe, 5; KCNT1-Related Epilepsy. Identifiers: Orphanet 98784, MedGen C3554306, MONDO:0014002, OMIM 615005.

Allele frequency attached by ClinVar (database versions not stated): gnomAD exomes below 0.00001 and 0.00002; gnomAD 0.00001; TOPMed 0.00001; ExAC 0.00002.
gnomAD v4.1: 5 of 1,612,666 alleles (0.00031%); highest among the groups gnomAD compares: Middle Eastern, 0.016%; no homozygotes.

Submissions (2):

Labcorp Genetics (formerly Invitae), Labcorp
Classification: Uncertain significance for Autosomal dominant nocturnal frontal lobe epilepsy 5; Developmental and epileptic encephalopathy, 14. Last evaluated: 2024-09-03. Review status: criteria provided, single submitter. Criteria: Invitae Variant Classification Sherloc (09022015). Collection method: clinical testing. Allele origin: germline.
Comment: This sequence change replaces valine, which is neutral and non-polar, with isoleucine, which is neutral and non-polar, at codon 500 of the KCNT1 protein (p.Val500Ile). This variant is present in population databases (rs778483249, gnomAD 0.004%). This variant has not been reported in the literature in individuals affected with KCNT1-related conditions. ClinVar contains an entry for this variant (Variation ID: 653977). Invitae Evidence Modeling of protein sequence and biophysical properties (such as structural, functional, and spatial information, amino acid conservation, physicochemical variation, residue mobility, and thermodynamic stability) indicates that this missense variant is not expected to disrupt KCNT1 protein function with a negative predictive value of 80%. In summary, the available evidence is currently insufficient to determine the role of this variant in disease. Therefore, it has been classified as a Variant of Uncertain Significance.

CeGaT Center for Human Genetics Tuebingen
Classification: Uncertain significance. Last evaluated: 2023-08-01. Review status: criteria provided, single submitter. Criteria: CeGaT Center For Human Genetics Tuebingen Variant Classification Criteria Version 2. Collection method: clinical testing. Allele origin: germline. Affected: yes. Observed: 1 variant allele.
Comment: KCNT1: PM2